The following is an entry in ClinVar:

ClinVar aggregate classification (germline): Uncertain significance. Review status: criteria provided, multiple submitters, no conflicts (2 of 4 stars). 4 submissions from 4 submitters: Uncertain significance (3). 1 of the submissions does not count toward it. Last evaluated 2025-07-30.

Conditions:
Congenital lactic acidosis, Saguenay-Lac-Saint-Jean type (MC4DN5). Also called: CYTOCHROME c OXIDASE DEFICIENCY, FRENCH CANADIAN TYPE; COX DEFICIENCY, FRENCH CANADIAN TYPE; MITOCHONDRIAL COMPLEX IV DEFICIENCY, NUCLEAR TYPE 5. Identifiers: Orphanet 70472, MedGen C1857355, MONDO:0009069, OMIM 220111.

Allele frequency attached by ClinVar (database versions not stated): gnomAD exomes 0.00002 and 0.00014; TOPMed 0.00008; gnomAD 0.00009; ExAC 0.00016.
gnomAD v4.1: 59 of 1,613,728 alleles (0.0037%); highest among the groups gnomAD compares: East Asian, 0.062%; 1 homozygote.

Submissions (4):

Women's Health and Genetics/Laboratory Corporation of America, LabCorp
Classification: Uncertain significance. Last evaluated: 2025-07-30. Review status: criteria provided, single submitter. Criteria: LabCorp Variant Classification Summary - May 2015. Collection method: clinical testing. Allele origin: germline.
Comment: Variant summary: LRPPRC c.3430C>T (p.Arg1144Cys) results in a non-conservative amino acid change in the encoded protein sequence. Algorithms developed to predict the effect of missense changes on protein structure and function are either unavailable or do not agree on the potential impact of this missense change. The variant allele was found at a frequency of 0.00014 in 251402 control chromosomes (gnomAD). This frequency is not significantly higher than estimated for a pathogenic variant in LRPPRC causing Leigh Syndrome, French-Canadian Type (0.00014 vs 0.0005), allowing no conclusion about variant significance. c.3430C>T has been reported in the literature as a non-informative genotype (phase/co-segregation/zygosity/genotype not clearly specified) in at-least two reports of an individual affected with mild Leigh Syndrome, outside of Quebec (example, Xinyang Han_2017) and in an individual with hypertrophic cardiomyopathy (HCM) who underwent a multigene panel analysis (example, Chung_2021). These reports do not provide unequivocal conclusions about association of the variant with Leigh Syndrome, French-Canadian Type. To our knowledge, no experimental evidence demonstrating an impact on protein function has been reported. The following publications have been ascertained in the context of this evaluation (PMID: 33658040, 29152527). ClinVar contains an entry for this variant (Variation ID: 336150). Based on the evidence outlined above, the variant was classified as uncertain significance.

Fulgent Genetics
Classification: Uncertain significance for Congenital lactic acidosis, Saguenay-Lac-Saint-Jean type. Last evaluated: 2024-04-30. Review status: criteria provided, single submitter. Criteria: ACMG Guidelines, 2015. Collection method: clinical testing. Allele origin: germline.

Illumina Laboratory Services, Illumina
Classification: Uncertain significance for Congenital lactic acidosis, Saguenay-Lac-Saint-Jean type. Last evaluated: 2018-01-12. Review status: criteria provided, single submitter. Criteria: ICSL Variant Classification Criteria 13 December 2019. Collection method: clinical testing. Allele origin: germline.

Counsyl
Classification: Uncertain significance for Congenital lactic acidosis, Saguenay-Lac-Saint-Jean type. Last evaluated: 2018-03-08. Review status: no assertion criteria provided. Collection method: clinical testing. Allele origin: unknown. Not counted in ClinVar's aggregate classification.

Literature cited by the submitters: PubMed 29152527 (cited by Women's Health and Genetics/Laboratory Corporation of America, LabCorp and Counsyl); PubMed 33658040 (cited by Women's Health and Genetics/Laboratory Corporation of America, LabCorp).

NM_133259.4(LRPPRC):c.3430C>T (p.Arg1144Cys)

Gene: LRPPRC (leucine rich pentatricopeptide repeat containing; minus strand). Cytogenetic location: 2p21.
Variant type: single nucleotide variant.
Coding change: c.3430C>T on transcript NM_133259.4 (MANE Select); coding-DNA position 3430, C replaced by T.
Protein change: p.Arg1144Cys; replaces arginine 1144 with cysteine.
Molecular consequence: missense variant.
Genome position (GRCh38, 1-based): chr2:43,901,459, G>A on the plus strand (C>T on the coding strand, the complement: LRPPRC is on the minus strand). VCF-style: chr2-43901459-G-A. GRCh37 (hg19) VCF-style: chr2-44128598-G-A.
Other names: short protein forms R1144C.
Identifiers: ClinVar variation 336150 (VCV000336150.9), dbSNP rs760016065, ClinGen allele CA1638059.